The following is an entry in ClinVar:

ClinVar aggregate classification (germline): Uncertain significance (1 of 4 stars; one submission).

Conditions:
Myofibrillar myopathy 3 (MFM3). Also called: Autosomal dominant spheroid body myopathy; Muscular dystrophy, proximal, type 1A. Identifiers: Orphanet 266, Orphanet 268129, MedGen C3714934, MONDO:0012215, OMIM 609200.

Submission:

Labcorp Genetics (formerly Invitae), Labcorp
Classification: Uncertain significance for Myofibrillar myopathy 3. Last evaluated: 2023-07-07. Review status: criteria provided, single submitter. Criteria: Invitae Variant Classification Sherloc (09022015). Collection method: clinical testing. Allele origin: germline.
Comment: In summary, the available evidence is currently insufficient to determine the role of this variant in disease. Therefore, it has been classified as a Variant of Uncertain Significance. An algorithm developed to predict the effect of missense changes on protein structure and function (PolyPhen-2) suggests that this variant is likely to be disruptive. This variant has not been reported in the literature in individuals affected with MYOT-related conditions. This variant is not present in population databases (gnomAD no frequency). This sequence change replaces proline, which is neutral and non-polar, with alanine, which is neutral and non-polar, at codon 376 of the MYOT protein (p.Pro376Ala).

NM_006790.3(MYOT):c.1126C>G (p.Pro376Ala)

Genes: MYOT (myotilin; plus strand), PKD2L2-DT (PKD2L2 divergent transcript; minus strand). Cytogenetic location: 5q31.2.
Variant type: single nucleotide variant.
Coding change: c.1126C>G on transcript NM_006790.3 (MANE Select); coding-DNA position 1126, C replaced by G.
Protein change: p.Pro376Ala; replaces proline 376 with alanine.
Molecular consequence: missense variant.
Genome position (GRCh38, 1-based): chr5:137,886,149, C>G. VCF-style: chr5-137886149-C-G. GRCh37 (hg19) VCF-style: chr5-137221838-C-G.
Other names: c.574C>G, p.Pro192Ala (NM_001135940.2); c.781C>G, p.Pro261Ala (NM_001300911.2); short protein forms P192A, P261A, P376A.
Identifiers: ClinVar variation 2912381 (VCV002912381.3), dbSNP rs777061001, ClinGen allele CA361056194.